The following is an entry in ClinVar:

NM_005445.4(SMC3):c.2024G>A (p.Arg675Gln)

Gene: SMC3 (structural maintenance of chromosomes 3; plus strand). Cytogenetic location: 10q25.2.
Variant type: single nucleotide variant.
Coding change: c.2024G>A on transcript NM_005445.4 (MANE Select); coding-DNA position 2024, G replaced by A.
Protein change: p.Arg675Gln; replaces arginine 675 with glutamine.
Molecular consequence: missense variant.
Genome position (GRCh38, 1-based): chr10:110,596,458, G>A. VCF-style: chr10-110596458-G-A. GRCh37 (hg19) VCF-style: chr10-112356216-G-A.
Other names: short protein forms R675Q.
Identifiers: ClinVar variation 1330518 (VCV001330518.14), dbSNP rs2134745310, ClinGen allele CA378391753.

ClinVar aggregate classification (germline): Uncertain significance. Review status: criteria provided, multiple submitters, no conflicts (2 of 4 stars). 2 submissions from 2 submitters: Uncertain significance (2). Last evaluated 2022-10-18.

Conditions:
Cornelia de Lange syndrome 3 (CDLS3). Also called: SMC3-Related Cornelia de Lange Syndrome; CORNELIA DE LANGE SYNDROME 3 WITH OR WITHOUT MIDLINE BRAIN DEFECTS. Identifiers: Orphanet 199, MedGen C1853099, MONDO:0012555, OMIM 610759.

Allele frequency attached by ClinVar (database versions not stated): gnomAD exomes below 0.00001.
gnomAD v4.1: 1 of 1,613,990 alleles (0.000062%); highest among the groups gnomAD compares: Non-Finnish European, 0.000085%; no homozygotes.

Submissions (2):

Labcorp Genetics (formerly Invitae), Labcorp
Classification: Uncertain significance for Cornelia de Lange syndrome 3. Last evaluated: 2022-10-18. Review status: criteria provided, single submitter. Criteria: Invitae Variant Classification Sherloc (09022015). Collection method: clinical testing. Allele origin: germline.
Comment: In summary, the available evidence is currently insufficient to determine the role of this variant in disease. Therefore, it has been classified as a Variant of Uncertain Significance. Advanced modeling of protein sequence and biophysical properties (such as structural, functional, and spatial information, amino acid conservation, physicochemical variation, residue mobility, and thermodynamic stability) performed at Invitae indicates that this missense variant is expected to disrupt SMC3 protein function. ClinVar contains an entry for this variant (Variation ID: 1330518). This variant has not been reported in the literature in individuals affected with SMC3-related conditions. This variant is not present in population databases (gnomAD no frequency). This sequence change replaces arginine, which is basic and polar, with glutamine, which is neutral and polar, at codon 675 of the SMC3 protein (p.Arg675Gln).

ARUP Laboratories, Molecular Genetics and Genomics, ARUP Laboratories
Classification: Uncertain significance for Cornelia de Lange syndrome 3. Last evaluated: 2021-09-01. Review status: criteria provided, single submitter. Criteria: ARUP Molecular Germline Variant Investigation Process 2021. Collection method: clinical testing. Allele origin: germline.
Comment: The p.Arg675Gln variant, to our knowledge, has not been reported in the medical literature or gene specific databases. Based on the available information, the clinical significance of this variant is uncertain. References: Gil-Rodriguez MC et al. De novo heterozygous mutations in SMC3 cause a range of Cornelia de Lange syndrome-overlapping phenotypes. Hum Mutat. 2015 Apr;36(4):454-62. PMID: 25655089. Infante E et al. Rare form of autosomal dominant familial Cornelia de Lange syndrome due to a novel duplication in SMC3. Clin Case Rep. 2017 Jun 28;5(8):1277-1283. PMID: 28781842